The following is an entry in ClinVar:

ClinVar aggregate classification (germline): Conflicting classifications of pathogenicity. Review status: criteria provided, conflicting classifications (1 of 4 stars). 4 submissions from 4 submitters: Uncertain significance (1); Likely benign (3). Last evaluated 2025-01-30.

Conditions:
Peroxisome biogenesis disorder 7A (Zellweger). Also called: Peroxisome biogenesis disorder 7A. Identifiers: Orphanet 912, MedGen C3888385, MONDO:0013938, OMIM 614872.
Peroxisome biogenesis disorder 7B (PBD7B). Identifiers: Orphanet 44, MedGen C3553951, MONDO:0013939, OMIM 614873.

Allele frequency attached by ClinVar (database versions not stated): gnomAD 0.00001; TOPMed 0.00001; gnomAD exomes 0.00002; ExAC 0.00006.
gnomAD v4.1: 12 of 1,591,122 alleles (0.00075%); highest among the groups gnomAD compares: Middle Eastern, 0.05%; no homozygotes.

Submissions (4):

Labcorp Genetics (formerly Invitae), Labcorp
Classification: Likely benign for Peroxisome biogenesis disorder 7A (Zellweger); Peroxisome biogenesis disorder 7B. Last evaluated: 2025-01-30. Review status: criteria provided, single submitter. Criteria: Invitae Variant Classification Sherloc (09022015). Collection method: clinical testing. Allele origin: germline.

Mayo Clinic Laboratories, Mayo Clinic
Classification: Likely benign. Last evaluated: 2024-10-28. Review status: criteria provided, single submitter. Criteria: ACMG Guidelines, 2015. Collection method: clinical testing. Allele origin: germline. Observed: 1 variant allele.
Comment: BP4, BP7

Blueprint Genetics
Classification: Likely benign. Last evaluated: 2022-12-16. Review status: criteria provided, single submitter. Criteria: ACMG Guidelines, 2015. Collection method: clinical testing. Allele origin: germline.

Eurofins Ntd Llc (ga)
Classification: Uncertain significance. Last evaluated: 2017-07-10. Review status: criteria provided, single submitter. Criteria: EGL Classification Definitions 2015. Collection method: clinical testing. Allele origin: germline. Observed: 1 variant allele, 1 heterozygote.

NM_001127649.3(PEX26):c.48G>T (p.Gly16=)

Gene: PEX26 (peroxisomal biogenesis factor 26; plus strand). Cytogenetic location: 22q11.21.
Variant type: single nucleotide variant.
Coding change: c.48G>T on transcript NM_001127649.3 (MANE Select); coding-DNA position 48, G replaced by T.
Protein change: p.Gly16=; no amino-acid change (glycine 16 retained).
Molecular consequence: synonymous variant.
Genome position (GRCh38, 1-based): chr22:18,078,424, G>T. VCF-style: chr22-18078424-G-T. GRCh37 (hg19) VCF-style: chr22-18561190-G-T.
Other names: p.Gly16=; c.48G>T, p.Gly16= (NM_001199319.2, NM_017929.6).
Identifiers: ClinVar variation 593165 (VCV000593165.14), dbSNP rs764244307, ClinGen allele CA10093205.